The following is an entry in ClinVar:

NM_003334.4(UBA1):c.1305C>T (p.Asp435=)

Gene: UBA1 (ubiquitin like modifier activating enzyme 1; plus strand). Cytogenetic location: Xp11.3.
Variant type: single nucleotide variant.
Coding change: c.1305C>T on transcript NM_003334.4 (MANE Select); coding-DNA position 1305, C replaced by T.
Protein change: p.Asp435=; no amino-acid change (aspartic acid 435 retained).
Molecular consequence: synonymous variant.
Genome position (GRCh38, 1-based): chrX:47,203,014, C>T. VCF-style: chrX-47203014-C-T. GRCh37 (hg19) VCF-style: chrX-47062413-C-T.
Other names: c.1305C>T, p.Asp435= (NM_153280.3).
Identifiers: ClinVar variation 392703 (VCV000392703.3), dbSNP rs1057524598, ClinGen allele CA16608482.

ClinVar aggregate classification (germline): Likely benign. Review status: criteria provided, multiple submitters, no conflicts (2 of 4 stars). 2 submissions from 2 submitters: Likely benign (2). Last evaluated 2019-07-11.

Conditions:
Inborn genetic diseases. Identifiers: MedGen C0950123, MeSH D030342.

Allele frequency attached by ClinVar (database versions not stated): gnomAD exomes below 0.00001.
gnomAD v4.1: 1 of 1,211,482 alleles (0.000083%); highest among the groups gnomAD compares: Non-Finnish European, 0.00011%; no homozygotes.

Submissions (2):

Ambry Genetics
Classification: Likely benign for Inborn genetic diseases. Last evaluated: 2019-07-11. Review status: criteria provided, single submitter. Criteria: Ambry Variant Classification Scheme 2023. Collection method: clinical testing. Allele origin: germline.

GeneDx
Classification: Likely benign. Last evaluated: 2017-01-12. Review status: criteria provided, single submitter. Criteria: GeneDx Variant Classification (06012015). Collection method: clinical testing. Allele origin: germline. Affected: yes.
Comment: This variant is considered likely benign or benign based on one or more of the following criteria: it is a conservative change, it occurs at a poorly conserved position in the protein, it is predicted to be benign by multiple in silico algorithms, and/or has population frequency not consistent with disease.